The following is an entry in ClinVar:

NM_005337.5(NCKAP1L):c.2718G>C (p.Lys906Asn)

Gene: NCKAP1L (NCK associated protein 1 like; plus strand). Cytogenetic location: 12q13.2.
Variant type: single nucleotide variant.
Coding change: c.2718G>C on transcript NM_005337.5 (MANE Select); coding-DNA position 2718, G replaced by C.
Protein change: p.Lys906Asn; replaces lysine 906 with asparagine.
Molecular consequence: missense variant.
Genome position (GRCh38, 1-based): chr12:54,531,762, G>C. VCF-style: chr12-54531762-G-C. GRCh37 (hg19) VCF-style: chr12-54925546-G-C.
Other names: c.2568G>C, p.Lys856Asn (NM_001184976.2); short protein forms K856N, K906N.
Identifiers: ClinVar variation 2968889 (VCV002968889.2), dbSNP rs368974531, ClinGen allele CA237465191.

ClinVar aggregate classification (germline): Uncertain significance. Review status: criteria provided, multiple submitters, no conflicts (2 of 4 stars). 2 submissions from 2 submitters: Uncertain significance (2). Last evaluated 2023-05-20.

Conditions:
Immunodeficiency 72 with autoinflammation. Also called: IMMUNODEFICIENCY 72 WITH AUTOINFLAMMATION AND LYMPHOPROLIFERATION. Identifiers: MedGen C5436540, MONDO:0033551, OMIM 618982.

Allele frequency attached by ClinVar (database versions not stated): gnomAD exomes below 0.00001; gnomAD 0.00001; 1000 Genomes Project 30x 0.00016; 1000 Genomes Project 0.00020.
gnomAD v4.1: 6 of 1,612,660 alleles (0.00037%); highest among the groups gnomAD compares: East Asian, 0.0045%; no homozygotes.

Submissions (2):

Neuberg Centre For Genomic Medicine, NCGM
Classification: Uncertain significance for Immunodeficiency 72 with autoinflammation. Last evaluated: 2023-05-20. Review status: criteria provided, single submitter. Criteria: ACMG Guidelines, 2015. Collection method: clinical testing. Allele origin: germline. Inheritance: Autosomal recessive inheritance. Affected: yes.
Comment: The observed missense variant c.2718G>C (p.Lys906Asn) in NCKAP1L gene has not been reported previously as a pathogenic variant nor as a benign variant, to our knowledge. The p.Lys906Asn variant is present with an allele frequency of 0.0004% on gnomAD exomes database. This variant has not been submitted to the ClinVar database. Multiple lines of computational evidence (SIFT - damaging; Polyphen - probably damaging; MutationTaster - disease causing) predict a damaging effect on protein structure and function for this variant. The amino acid change p.Lys906Asn in NCKAP1L is predicted as conserved by GERP++ and PhyloP across 100 vertebrates. The amino acid Lys at position 906 is changed to a Asn changing protein sequence and it might alter its composition and physico-chemical properties. For these reasons, this variant has been classified as a Variant of Uncertain Significance (VUS).

Labcorp Genetics (formerly Invitae), Labcorp
Classification: Uncertain significance. Last evaluated: 2023-01-05. Review status: criteria provided, single submitter. Criteria: Invitae Variant Classification Sherloc (09022015). Collection method: clinical testing. Allele origin: germline.
Comment: In summary, the available evidence is currently insufficient to determine the role of this variant in disease. Therefore, it has been classified as a Variant of Uncertain Significance. Algorithms developed to predict the effect of missense changes on protein structure and function are either unavailable or do not agree on the potential impact of this missense change (SIFT: "Deleterious"; PolyPhen-2: "Probably Damaging"; Align-GVGD: "Class C0"). This variant has not been reported in the literature in individuals affected with NCKAP1L-related conditions. This variant is not present in population databases (gnomAD no frequency). This sequence change replaces lysine, which is basic and polar, with asparagine, which is neutral and polar, at codon 906 of the NCKAP1L protein (p.Lys906Asn).